The following is an entry in ClinVar:

NM_001854.4(COL11A1):c.4878T>C (p.Pro1626=)

Gene: COL11A1 (collagen type XI alpha 1 chain; minus strand). Cytogenetic location: 1p21.1.
Variant type: single nucleotide variant.
Coding change: c.4878T>C on transcript NM_001854.4 (MANE Select); coding-DNA position 4878, T replaced by C.
Protein change: p.Pro1626=; no amino-acid change (proline 1626 retained).
Molecular consequence: synonymous variant. On other transcripts: non-coding transcript variant (1).
Genome position (GRCh38, 1-based): chr1:102,883,292, A>G on the plus strand (T>C on the coding strand, the complement: COL11A1 is on the minus strand). VCF-style: chr1-102883292-A-G. GRCh37 (hg19) VCF-style: chr1-103348848-A-G.
Other names: c.4761T>C, p.Pro1587= (NM_001190709.2); c.4914T>C, p.Pro1638= (NM_080629.3); c.4530T>C, p.Pro1510= (NM_080630.4); c.4878T>C (NM_001854.3).
Identifiers: ClinVar variation 806176 (VCV000806176.48), dbSNP rs1570618762, ClinGen allele CA419253612.

ClinVar aggregate classification (germline): Likely benign. Review status: criteria provided, multiple submitters, no conflicts (2 of 4 stars). 3 submissions from 3 submitters: Likely benign (2). 1 of the submissions does not count toward it. Last evaluated 2024-08-27.

Conditions:
COL11A1-related disorder. Also called: COL11A1-related condition; COL11A1-related disorders.

Allele frequency attached by ClinVar (database versions not stated): gnomAD exomes below 0.00001.
gnomAD v4.1: 5 of 1,612,822 alleles (0.00031%); highest among the groups gnomAD compares: Non-Finnish European, 0.00042%; no homozygotes.

Submissions (3):

Labcorp Genetics (formerly Invitae), Labcorp
Classification: Likely benign. Last evaluated: 2024-08-27. Review status: criteria provided, single submitter. Criteria: Invitae Variant Classification Sherloc (09022015). Collection method: clinical testing. Allele origin: germline.

CeGaT Center for Human Genetics Tuebingen
Classification: Likely benign. Last evaluated: 2019-03-01. Review status: criteria provided, single submitter. Criteria: CeGaT Center For Human Genetics Tuebingen Variant Classification Criteria Version 2. Collection method: clinical testing. Allele origin: germline. Affected: yes. Observed: 1 variant allele.

PreventionGenetics, part of Exact Sciences
Classification: Likely benign for COL11A1-related condition. Last evaluated: 2023-04-25. Review status: no assertion criteria provided. Collection method: clinical testing. Allele origin: germline. Not counted in ClinVar's aggregate classification.
Comment: This variant is classified as likely benign based on ACMG/AMP sequence variant interpretation guidelines (Richards et al. 2015 PMID: 25741868, with internal and published modifications).